The following is an entry in ClinVar:

ClinVar aggregate classification (germline): Uncertain significance (1 of 4 stars; one submission).

Conditions:
Hereditary cancer-predisposing syndrome. Also called: Neoplastic Syndromes, Hereditary; Tumor predisposition; Hereditary Cancer Syndrome; Hereditary neoplastic syndrome. Identifiers: Orphanet 140162, MedGen C0027672, MeSH D009386, MONDO:0015356.

Submission:

Ambry Genetics
Classification: Uncertain significance for Hereditary cancer-predisposing syndrome. Last evaluated: 2021-04-23. Review status: criteria provided, single submitter. Criteria: Ambry Variant Classification Scheme 2023. Collection method: clinical testing. Allele origin: germline.
Comment: The p.S1163P variant (also known as c.3487T>C), located in coding exon 23 of the ATM gene, results from a T to C substitution at nucleotide position 3487. The serine at codon 1163 is replaced by proline, an amino acid with similar properties. This amino acid position is poorly conserved in available vertebrate species. In addition, this alteration is predicted to be tolerated by in silico analysis. Since supporting evidence is limited at this time, the clinical significance of this alteration remains unclear.

NM_000051.4(ATM):c.3487T>C (p.Ser1163Pro)

Gene: ATM (ATM serine/threonine kinase; plus strand). Cytogenetic location: 11q22.3.
Variant type: single nucleotide variant.
Coding change: c.3487T>C on transcript NM_000051.4 (MANE Select); coding-DNA position 3487, T replaced by C.
Protein change: p.Ser1163Pro; replaces serine 1163 with proline.
Molecular consequence: missense variant.
Genome position (GRCh38, 1-based): chr11:108,281,079, T>C. VCF-style: chr11-108281079-T-C. GRCh37 (hg19) VCF-style: chr11-108151806-T-C.
Other names: c.3487T>C, p.Ser1163Pro (NM_001351834.2); short protein forms S1163P.
Identifiers: ClinVar variation 1731887 (VCV001731887.2), dbSNP rs2546870414, ClinGen allele CA382519572.